The following is an entry in ClinVar:

NC_000002.12:g.(?_29193218)_(29239836_?)dup

Gene: ALK (ALK receptor tyrosine kinase; minus strand). Cytogenetic location: 2p23.2.
Variant type: Duplication.
Identifiers: ClinVar variation 831071 (VCV000831071.3).

ClinVar aggregate classification (germline): Uncertain significance (1 of 4 stars; one submission).

Conditions:
Neuroblastoma, susceptibility to, 3. Also called: ALK-Related Neuroblastic Tumor Susceptibility. Identifiers: Orphanet 635, MedGen C2751681, MONDO:0013083, OMIM 613014.

Submission:

Labcorp Genetics (formerly Invitae), Labcorp
Classification: Uncertain significance for Neuroblastoma, susceptibility to, 3. Last evaluated: 2021-09-29. Review status: criteria provided, single submitter. Criteria: Invitae Variant Classification Sherloc (09022015). Collection method: clinical testing. Allele origin: germline.
Comment: In summary, the available evidence is currently insufficient to determine the role of this variant in disease. Therefore, it has been classified as a Variant of Uncertain Significance. This variant has not been reported in the literature in individuals affected with ALK-related conditions. This variant results in a copy number gain of the genomic region encompassing exon(s) 13-29 of the ALK gene. This region includes the termination codon of the gene. This copy number gain extends beyond the assayed region for this gene and therefore may encompass additional genes. As the precise location of this event is unknown, it may be in tandem or it may be located elsewhere in the genome.